The following is an entry in ClinVar:

NM_020461.4(TUBGCP6):c.1025C>T (p.Pro342Leu)

Gene: TUBGCP6 (tubulin gamma complex component 6; minus strand). Cytogenetic location: 22q13.33.
Variant type: single nucleotide variant.
Coding change: c.1025C>T on transcript NM_020461.4 (MANE Select); coding-DNA position 1025, C replaced by T.
Protein change: p.Pro342Leu; replaces proline 342 with leucine.
Molecular consequence: missense variant.
Genome position (GRCh38, 1-based): chr22:50,233,407, G>A on the plus strand (C>T on the coding strand, the complement: TUBGCP6 is on the minus strand). VCF-style: chr22-50233407-G-A. GRCh37 (hg19) VCF-style: chr22-50671836-G-A.
Other names: short protein forms P342L.
Identifiers: ClinVar variation 1023899 (VCV001023899.9), dbSNP rs780722148, ClinGen allele CA10308858.
Genomic context (GRCh38, chr22:50,233,407, plus strand): 5'-CCAATCAAGACGTTCAGCACGTCTTTCACCAGCTCGCACTCCTTCACCAGCACGGGCTGC[G>A]GGGCCTGTAGGACGCCCCCAGCAAGCAGCTGGAGCTCCCCTTGGTGGAGCCTGCAGAACT-3'
Protein context (NP_065194.3, residues 332-352): QLLAGGVLQA[Pro342Leu]QPVLVKECEL

ClinVar aggregate classification (germline): Uncertain significance. Review status: criteria provided, multiple submitters, no conflicts (2 of 4 stars). 2 submissions from 2 submitters: Uncertain significance (2). Last evaluated 2024-06-19.

Allele frequency attached by ClinVar (database versions not stated): gnomAD 0.00002 and 0.00003; gnomAD exomes 0.00002 and 0.00004; ExAC 0.00003; TOPMed 0.00004.
gnomAD v4.1: 31 of 1,613,910 alleles (0.0019%); highest among the groups gnomAD compares: East Asian, 0.018%; no homozygotes.

Submissions (2):

Blueprint Genetics
Classification: Uncertain significance. Last evaluated: 2024-06-19. Review status: criteria provided, single submitter. Criteria: ACMG Guidelines, 2015. Collection method: clinical testing. Allele origin: germline.

Labcorp Genetics (formerly Invitae), Labcorp
Classification: Uncertain significance. Last evaluated: 2022-05-14. Review status: criteria provided, single submitter. Criteria: Invitae Variant Classification Sherloc (09022015). Collection method: clinical testing. Allele origin: germline.
Comment: ClinVar contains an entry for this variant (Variation ID: 1023899). This sequence change replaces proline, which is neutral and non-polar, with leucine, which is neutral and non-polar, at codon 342 of the TUBGCP6 protein (p.Pro342Leu). This variant is present in population databases (rs780722148, gnomAD 0.05%). This variant has not been reported in the literature in individuals affected with TUBGCP6-related conditions. Algorithms developed to predict the effect of missense changes on protein structure and function are either unavailable or do not agree on the potential impact of this missense change (SIFT: "Tolerated"; PolyPhen-2: "Possibly Damaging"; Align-GVGD: "Class C0"). In summary, the available evidence is currently insufficient to determine the role of this variant in disease. Therefore, it has been classified as a Variant of Uncertain Significance.